The following is an entry in ClinVar:

ClinVar aggregate classification (germline): Uncertain significance (1 of 4 stars; one submission).

Conditions:
Idiopathic generalized epilepsy. Also called: EIG; Generalised epilepsy. Identifiers: MedGen C0270850, MONDO:0005579, OMIM 600669.

Submission:

Labcorp Genetics (formerly Invitae), Labcorp
Classification: Uncertain significance for Idiopathic generalized epilepsy. Last evaluated: 2021-04-14. Review status: criteria provided, single submitter. Criteria: Invitae Variant Classification Sherloc (09022015). Collection method: clinical testing. Allele origin: germline.
Comment: This variant results in a copy number gain of the genomic region encompassing exon(s) 2-13 of the RBFOX1 gene. The 5' boundary is likely confined to intron 1. The 3' end of this event is unknown as it extends beyond the assayed region for this gene and therefore may encompass additional genes. As the precise location of this event is unknown, it may be in tandem or it may be located elsewhere in the genome. This variant has not been reported in the literature in individuals with RBFOX1-related conditions. Experimental studies and prediction algorithms are not available or were not evaluated, and the functional significance of this variant is currently unknown. In summary, the available evidence is currently insufficient to determine the role of this variant in disease. Therefore, it has been classified as a Variant of Uncertain Significance.

NC_000016.9:g.(?_7568129)_(7760747_?)dup

Gene: RBFOX1 (RNA binding fox-1 homolog 1; plus strand). Cytogenetic location: 16p13.3.
Variant type: Duplication.
Identifiers: ClinVar variation 1444203 (VCV001444203.4).